The following is an entry in ClinVar:

NM_133433.4(NIPBL):c.618A>G (p.Val206=)

Gene: NIPBL (NIPBL cohesin loading factor; plus strand). Cytogenetic location: 5p13.2.
Variant type: single nucleotide variant.
Coding change: c.618A>G on transcript NM_133433.4 (MANE Select); coding-DNA position 618, A replaced by G.
Protein change: p.Val206=; no amino-acid change (valine 206 retained).
Molecular consequence: synonymous variant.
Genome position (GRCh38, 1-based): chr5:36,970,883, A>G. VCF-style: chr5-36970883-A-G. GRCh37 (hg19) VCF-style: chr5-36970985-A-G.
Other names: c.618A>G, p.Val206= (NM_015384.5).
Identifiers: ClinVar variation 3035964 (VCV003035964.2), dbSNP rs760562029, ClinGen allele CA3235894.

ClinVar aggregate classification (germline): Likely benign (0 of 4 stars; one submission).

Conditions:
NIPBL-related disorder. Also called: NIPBL-related condition.

Allele frequency attached by ClinVar (database versions not stated): ExAC 0.00001; gnomAD exomes 0.00001.
gnomAD v4.1: 3 of 1,613,372 alleles (0.00019%); highest among the groups gnomAD compares: Non-Finnish European, 0.00025%; no homozygotes.

Submission:

PreventionGenetics, part of Exact Sciences
Classification: Likely benign for NIPBL-related condition. Last evaluated: 2021-06-09. Review status: no assertion criteria provided. Collection method: clinical testing. Allele origin: germline.
Comment: This variant is classified as likely benign based on ACMG/AMP sequence variant interpretation guidelines (Richards et al. 2015 PMID: 25741868, with internal and published modifications).